The following is an entry in ClinVar:

ClinVar aggregate classification (germline): Uncertain significance (1 of 4 stars; one submission).

Allele frequency attached by ClinVar (database versions not stated): gnomAD exomes below 0.00001; gnomAD 0.00001.
gnomAD v4.1: 13 of 1,566,094 alleles (0.00083%); highest among the groups gnomAD compares: Non-Finnish European, 0.0011%; no homozygotes.

Submission:

Labcorp Genetics (formerly Invitae), Labcorp
Classification: Uncertain significance. Last evaluated: 2021-11-30. Review status: criteria provided, single submitter. Criteria: Invitae Variant Classification Sherloc (09022015). Collection method: clinical testing. Allele origin: germline.
Comment: In summary, the available evidence is currently insufficient to determine the role of this variant in disease. Therefore, it has been classified as a Variant of Uncertain Significance. Algorithms developed to predict the effect of missense changes on protein structure and function are either unavailable or do not agree on the potential impact of this missense change (SIFT: "Deleterious"; PolyPhen-2: "Possibly Damaging"; Align-GVGD: "Class C15"). This variant has not been reported in the literature in individuals affected with MKL1-related conditions. This variant is present in population databases (no rsID available, gnomAD 0.002%). This sequence change replaces histidine, which is basic and polar, with tyrosine, which is neutral and polar, at codon 926 of the MKL1 protein (p.His926Tyr).

NM_020831.6(MRTFA):c.3076C>T (p.His1026Tyr)

Gene: MRTFA (myocardin related transcription factor A; minus strand). Cytogenetic location: 22q13.1.
Variant type: single nucleotide variant.
Coding change: c.3076C>T on transcript NM_020831.6 (MANE Select); coding-DNA position 3076, C replaced by T.
Protein change: p.His1026Tyr; replaces histidine 1026 with tyrosine.
Molecular consequence: missense variant. On other transcripts: 3 prime UTR variant (1).
Genome position (GRCh38, 1-based): chr22:40,411,410, G>A on the plus strand (C>T on the coding strand, the complement: MRTFA is on the minus strand). VCF-style: chr22-40411410-G-A. GRCh37 (hg19) VCF-style: chr22-40807414-G-A.
Other names: c.2776C>T, p.His926Tyr (NM_001282660.2); c.2926C>T, p.His976Tyr (NM_001282661.3); c.*389C>T (NM_001282662.3); c.2881C>T, p.His961Tyr (NM_001318139.2); short protein forms H1026Y, H926Y, H961Y, H976Y.
Identifiers: ClinVar variation 1682909 (VCV001682909.6), dbSNP rs1400877300, ClinGen allele CA411650988.
Genomic context (GRCh38, chr22:40,411,410, plus strand): 5'-GGCTCCCAGCCCCTTCCCCACCCCGTCTTGAGCCAGAGAGCTACAAGCAGGAATCCCAGT[G>A]CAGCTGCAAATCATGGCCATCGAGGAAGTCTGTGGAGAAGAGGCTGGGGGCTGTGGTGCT-3'
Protein context (NP_065882.2, residues 1016-1031): DFLDGHDLQL[His1026Tyr]WDSCL